The following is an entry in ClinVar:

ClinVar aggregate classification (germline): Uncertain significance (1 of 4 stars; one submission).

Conditions:
Hereditary cancer-predisposing syndrome. Also called: Hereditary Cancer Syndrome; Tumor predisposition; Hereditary neoplastic syndrome; Neoplastic Syndromes, Hereditary. Identifiers: Orphanet 140162, MedGen C0027672, MeSH D009386, MONDO:0015356.

Submission:

Labcorp Genetics (formerly Invitae), Labcorp
Classification: Uncertain significance for Hereditary cancer-predisposing syndrome. Last evaluated: 2018-12-15. Review status: criteria provided, single submitter. Criteria: Invitae Variant Classification Sherloc (09022015). Collection method: clinical testing. Allele origin: germline.
Comment: Algorithms developed to predict the effect of missense changes on protein structure and function (SIFT, PolyPhen-2, Align-GVGD) all suggest that this variant is likely to be tolerated, but these predictions have not been confirmed by published functional studies and their clinical significance is uncertain. This variant has not been reported in the literature in individuals with RAD50-related conditions. In summary, the available evidence is currently insufficient to determine the role of this variant in disease. Therefore, it has been classified as a Variant of Uncertain Significance. This sequence change replaces glutamic acid with aspartic acid at codon 806 of the RAD50 protein (p.Glu806Asp). The glutamic acid residue is moderately conserved and there is a small physicochemical difference between glutamic acid and aspartic acid. This variant is not present in population databases (ExAC no frequency).

NM_005732.4(RAD50):c.2418A>T (p.Glu806Asp)

Gene: RAD50 (RAD50 double strand break repair protein; plus strand). Cytogenetic location: 5q31.1.
Variant type: single nucleotide variant.
Coding change: c.2418A>T on transcript NM_005732.4 (MANE Select); coding-DNA position 2418, A replaced by T.
Protein change: p.Glu806Asp; replaces glutamic acid 806 with aspartic acid.
Molecular consequence: missense variant.
Genome position (GRCh38, 1-based): chr5:132,603,940, A>T. VCF-style: chr5-132603940-A-T. GRCh37 (hg19) VCF-style: chr5-131939632-A-T.
Other names: short protein forms E806D.
Identifiers: ClinVar variation 646938 (VCV000646938.9), dbSNP rs1581001434, ClinGen allele CA360955387.